The following is an entry in ClinVar:

NM_001368397.1(FRMPD4):c.1403A>G (p.Asn468Ser)

Gene: FRMPD4 (FERM and PDZ domain containing 4; plus strand). Cytogenetic location: Xp22.2.
Variant type: single nucleotide variant.
Coding change: c.1403A>G on transcript NM_001368397.1 (MANE Select); coding-DNA position 1403, A replaced by G.
Protein change: p.Asn468Ser; replaces asparagine 468 with serine.
Molecular consequence: missense variant.
Genome position (GRCh38, 1-based): chrX:12,707,584, A>G. VCF-style: chrX-12707584-A-G. GRCh37 (hg19) VCF-style: chrX-12725703-A-G.
Other names: c.1514A>G, p.Asn505Ser (NM_001368395.3, NM_001368398.3); c.1409A>G, p.Asn470Ser (NM_001368396.3); c.1394A>G, p.Asn465Ser (NM_001368399.3); c.1283A>G, p.Asn428Ser (NM_001368400.3); c.1379A>G, p.Asn460Ser (NM_001368401.1, NM_001368402.3); c.1403A>G, p.Asn468Ser (NM_014728.3); short protein forms N460S, N505S, N470S, N428S, N465S, N468S.
Identifiers: ClinVar variation 5008043 (VCV005008043.1).

ClinVar aggregate classification (germline): Uncertain significance (1 of 4 stars; one submission).

Submission:

GeneDx
Classification: Uncertain significance. Last evaluated: 2026-03-06. Review status: criteria provided, single submitter. Criteria: GeneDx Variant Classification Process June 2021. Collection method: clinical testing. Allele origin: germline.
Comment: Not observed at significant frequency in large population cohorts (gnomAD); In silico analysis suggests that this missense variant does not alter protein structure/function; Has not been previously published as pathogenic or benign to our knowledge